The following is an entry in ClinVar:

NM_182760.4(SUMF1):c.602+1G>A

Gene: SUMF1 (sulfatase modifying factor 1; minus strand). Cytogenetic location: 3p26.1.
Variant type: single nucleotide variant.
Coding change: c.602+1G>A on transcript NM_182760.4 (MANE Select); the canonical splice donor site of the intron after coding-DNA position 602, G replaced by A.
Molecular consequence: splice donor variant.
Genome position (GRCh38, 1-based): chr3:4,420,063, C>T on the plus strand (G>A on the coding strand, the complement: SUMF1 is on the minus strand). VCF-style: chr3-4420063-C-T. GRCh37 (hg19) VCF-style: chr3-4461747-C-T.
Other names: c.527+1G>A (NM_001164674.2); c.602+1G>A (NM_001164675.2).
Identifiers: ClinVar variation 856092 (VCV000856092.14), dbSNP rs143616931, ClinGen allele CA2230544.
Genomic context (GRCh38, chr3:4,420,063, plus strand): 5'-AGCAAAGGGTACCTATTTTGCAATGGAACTTGTCAACTGGGGAAAGAGGGACCAGCCTCA[C>T]CTGTGCAGAATAGTAGAGTCAGGCCCTTCTGGGTGTCTCCAGTTAGCGCCTTTCACAGGT-3'

ClinVar aggregate classification (germline): Pathogenic/Likely pathogenic. Review status: criteria provided, multiple submitters, no conflicts (2 of 4 stars). 4 submissions from 4 submitters: Pathogenic (1); Likely pathogenic (3). Last evaluated 2025-12-10.

Conditions:
Multiple sulfatase deficiency (MSD). Also called: Multiple Sulfatase Deficiency Disease; Mucosulfatidosis; Sulfatidosis, Juvenile, Austin Type. Identifiers: Orphanet 585, MedGen C0268263, MONDO:0010088, OMIM 272200.

Allele frequency attached by ClinVar (database versions not stated): gnomAD exomes below 0.00001 and 0.00002; ExAC 0.00002; gnomAD 0.00003 and 0.00004; TOPMed 0.00004; ESP Exome Variant Server 0.00015.
gnomAD v4.1: 11 of 1,613,702 alleles (0.00068%); highest among the groups gnomAD compares: African/African-American, 0.013%; no homozygotes.

Submissions (4):

Labcorp Genetics (formerly Invitae), Labcorp
Classification: Pathogenic for Multiple sulfatase deficiency. Last evaluated: 2025-12-10. Review status: criteria provided, single submitter. Criteria: Invitae Variant Classification Sherloc (09022015). Collection method: clinical testing. Allele origin: germline.
Comment: This sequence change affects a donor splice site in intron 4 of the SUMF1 gene. It is expected to disrupt RNA splicing. Variants that disrupt the donor or acceptor splice site typically lead to a loss of protein function (PMID: 16199547), and loss-of-function variants in SUMF1 are known to be pathogenic (PMID: 12757705, 12757706, 25885655). This variant is present in population databases (rs143616931, gnomAD 0.02%). Disruption of this splice site has been observed in individual(s) with atypical multiple sulfatase deficiency (PMID: 26825355). ClinVar contains an entry for this variant (Variation ID: 856092). Algorithms developed to predict the effect of sequence changes on RNA splicing suggest that this variant may disrupt the consensus splice site. For these reasons, this variant has been classified as Pathogenic.

Natera, Inc.
Classification: Likely pathogenic for Multiple sulfatase deficiency. Last evaluated: 2025-09-09. Review status: criteria provided, single submitter. Criteria: Natera Variant Classification Schema (03/2026). Collection method: clinical testing. Allele origin: germline.
Comment: The c.602+1G>A variant in SUMF1 is a canonical splice donor site variant predicted to affect pre-mRNA splicing, which may result in an abnormal transcript and altered protein product. This variant is expected to result in nonsense mediated decay, truncation, or a dysfunctional protein product. This variant is rare in the general population with a frequency below the threshold expected for the associated phenotype(s). Given the available evidence, this variant is classified as Likely Pathogenic.

Women's Health and Genetics/Laboratory Corporation of America, LabCorp
Classification: Likely pathogenic for Multiple sulfatase deficiency. Last evaluated: 2024-10-03. Review status: criteria provided, single submitter. Criteria: LabCorp Variant Classification Summary - May 2015. Collection method: clinical testing. Allele origin: germline.
Comment: Variant summary: SUMF1 c.602+1G>A is located in a canonical splice-site and is predicted to affect mRNA splicing resulting in a significantly altered protein due to either exon skipping, shortening, or inclusion of intronic material. Variants that disrupt the consensus splice site are a relatively common cause of aberrant splicing and loss of SUMF1 function. Several computational tools predict a significant impact on normal splicing: Four predict the variant abolishes a 5' splicing donor site. However, these predictions have yet to be confirmed by functional studies. The variant allele was found at a frequency of 1.6e-05 in 251100 control chromosomes. c.602+1G>A has been reported in the literature in compound heterozygosity with another SUMF1 variant in at-least one individual affected with atypical Multiple Sulfatase Deficiency (e.g., Miskin_2016). To our knowledge, no experimental evidence demonstrating an impact on protein function has been reported. The following publication has been ascertained in the context of this evaluation (PMID: 26825355). ClinVar contains an entry for this variant (Variation ID: 856092). Based on the evidence outlined above, the variant was classified as likely pathogenic.

Laboratory for Molecular Medicine, Mass General Brigham Personalized Medicine
Classification: Likely pathogenic for Multiple sulfatase deficiency. Last evaluated: 2023-09-12. Review status: criteria provided, single submitter. Criteria: ACMG Guidelines, 2015. Collection method: clinical testing. Allele origin: germline. Inheritance: Autosomal recessive inheritance.
Comment: The c.602+1G>A variant in SUMF1 has been reported in the compound heterozygous state in 1 individual with multiple sulfatase deficiency (MSD) who had low arylsulfatase A enzyme activity (Miskin 2015 PMID: 26825355). This variant has also been reported by other clinical laboratories in ClinVar (Variation ID 856092) and been identified in 0.01% (5/41424) of African chromosomes by gnomAD (v.3.1.2). This variant occurs within the canonical splice site (+/- 1,2) and is predicted to cause altered splicing leading to an abnormal or absent protein. Biallelic loss of function of the SUMF1 gene is an established disease mechanism in autosomal recessive MSD. In summary, although additional studies are required to fully establish its clinical significance, this variant meets criteria to be classified as likely pathogenic for autosomal recessive multiple sulfatase deficiency. ACMG/AMP Criteria applied: PVS1_Strong, PM3_Supporting, PM2_Supporting, PP4.

Literature cited by the submitters: PubMed 16199547 (cited by Labcorp Genetics (formerly Invitae), Labcorp); PubMed 12757705 (cited by Labcorp Genetics (formerly Invitae), Labcorp); PubMed 12757706 (cited by Labcorp Genetics (formerly Invitae), Labcorp); PubMed 25885655 (cited by Labcorp Genetics (formerly Invitae), Labcorp); PubMed 26825355 (cited by 3 submitters).